The following is an entry in ClinVar:

NM_024642.5(GALNT12):c.1587G>C (p.Gln529His)

Gene: GALNT12 (polypeptide N-acetylgalactosaminyltransferase 12; plus strand). Cytogenetic location: 9q22.33.
Variant type: single nucleotide variant.
Coding change: c.1587G>C on transcript NM_024642.5 (MANE Select); coding-DNA position 1587, G replaced by C.
Protein change: p.Gln529His; replaces glutamine 529 with histidine.
Molecular consequence: missense variant.
Genome position (GRCh38, 1-based): chr9:98,846,105, G>C. VCF-style: chr9-98846105-G-C. GRCh37 (hg19) VCF-style: chr9-101608387-G-C.
Other names: short protein forms Q529H.
Identifiers: ClinVar variation 2447049 (VCV002447049.3), dbSNP rs763159492, ClinGen allele CA5154320.

ClinVar aggregate classification (germline): Uncertain significance (1 of 4 stars; one submission).

Allele frequency attached by ClinVar (database versions not stated): ExAC 0.00001; gnomAD exomes 0.00001.
gnomAD v4.1: 21 of 1,614,200 alleles (0.0013%); highest among the groups gnomAD compares: Non-Finnish European, 0.0017%; no homozygotes.

Submission:

Ambry Genetics
Classification: Uncertain significance. Last evaluated: 2025-03-01. Review status: criteria provided, single submitter. Criteria: Ambry Variant Classification Scheme 2023. Collection method: clinical testing. Allele origin: germline.
Comment: The p.Q529H variant (also known as c.1587G>C), located in coding exon 9 of the GALNT12 gene, results from a G to C substitution at nucleotide position 1587. The glutamine at codon 529 is replaced by histidine, an amino acid with highly similar properties. This amino acid position is highly conserved in available vertebrate species. In addition, this alteration is predicted to be tolerated by in silico analysis. The evidence for this gene-disease relationship is limited; therefore, the clinical significance of this alteration is unclear.